The following is an entry in ClinVar:

ClinVar aggregate classification (germline): Pathogenic. Review status: criteria provided, multiple submitters, no conflicts (2 of 4 stars). 3 submissions from 3 submitters: Pathogenic (3). Last evaluated 2023-06-26.

Conditions:
Autosomal recessive nonsyndromic hearing loss 79. Identifiers: Orphanet 90636, MedGen C2750082, MONDO:0013215, OMIM 613307.

Submissions (3):

GeneDx
Classification: Pathogenic. Last evaluated: 2023-06-26. Review status: criteria provided, single submitter. Criteria: GeneDx Variant Classification Process June 2021. Collection method: clinical testing. Allele origin: germline. Affected: yes.
Comment: Frameshift variant predicted to result in protein truncation or nonsense mediated decay in a gene for which loss-of-function is a known mechanism of disease; Not observed at significant frequency in large population cohorts (gnomAD); This variant is associated with the following publications: (PMID: 26969326)

Labcorp Genetics (formerly Invitae), Labcorp
Classification: Pathogenic. Last evaluated: 2021-12-26. Review status: criteria provided, single submitter. Criteria: Invitae Variant Classification Sherloc (09022015). Collection method: clinical testing. Allele origin: germline.
Comment: This sequence change creates a premature translational stop signal (p.Leu315Profs*32) in the TPRN gene. It is expected to result in an absent or disrupted protein product. Loss-of-function variants in TPRN are known to be pathogenic (PMID: 20170898, 20170899). This variant is present in population databases (rs765756665, gnomAD 0.004%). This premature translational stop signal has been observed in individual(s) with deafness (PMID: 26969326). For these reasons, this variant has been classified as Pathogenic.

Victorian Clinical Genetics Services, Murdoch Childrens Research Institute
Classification: Pathogenic for Autosomal recessive nonsyndromic hearing loss 79. Last evaluated: 2019-08-28. Review status: criteria provided, single submitter. Criteria: ACMG Guidelines, 2015. Collection method: clinical testing. Allele origin: germline. Inheritance: Autosomal recessive inheritance.
Comment: A heterozygous duplication variant was identified, NM_001128228.2(TPRN):c.943dup in exon 1 of 4 of the TPRN gene. This duplication is predicted to cause a frameshift from amino acid position 315 introducing a stop codon 32 residues downstream, NP_001121700.2(TPRN):p.(Leu315Profs*32), resulting in loss of normal protein function through nonsense-mediated decay (NMD). The variant is present in the gnomAD population database at a frequency of 0.003% (3 heterozygotes, 0 homozygotes) in the non-Finnish European population. It is not present in other subpopulations in gnomAD. It has been previously reported in a compound heterozygous state in a patient with autosomal recessive non-syndromic hearing loss (Sloan-Heggen, C. et al. (2016)); and has been reported as pathogenic in the Deafness Variation Database. Other variants predicted to cause NMD have been reported as pathogenic in individuals with autosomal recessive deafness 79 (ClinVar). Based on information available at the time of curation, this variant has been classified as PATHOGENIC.

Literature cited by the submitters: PubMed 20170898 (cited by Labcorp Genetics (formerly Invitae), Labcorp); PubMed 20170899 (cited by Labcorp Genetics (formerly Invitae), Labcorp); PubMed 26969326 (cited by Labcorp Genetics (formerly Invitae), Labcorp).

NM_001128228.3(TPRN):c.943dup (p.Leu315fs)

Gene: TPRN (taperin; minus strand). Cytogenetic location: 9q34.3.
Variant type: Duplication.
Coding change: c.943dup on transcript NM_001128228.3 (MANE Select); coding-DNA position 943, one base duplicated (C; older notation c.943dupC).
Protein change: p.Leu315fs; shifts the reading frame from leucine 315.
Molecular consequence: frameshift variant.
Genome position (GRCh38, 1-based): chr9:137,199,769, G duplicated on the plus strand (C on the coding strand, the reverse complement: TPRN is on the minus strand); the first of 2 consecutive G bases (chr9:137,199,769-137,199,770); duplicating either gives the same sequence. VCF-style (leftmost placement, unchanged base first): chr9-137199768-A-AG. GRCh37 (hg19) VCF-style: chr9-140094220-A-AG.
Other names: p.(Leu315ProfsTer32); c.943dup (NM_001128228.2); c.943dupC (NM_001128228.2); short protein forms L315fs.
Identifiers: ClinVar variation 1806299 (VCV001806299.7), dbSNP rs765756665, ClinGen allele CA5362853.
Genomic context (GRCh38, chr9:137,199,768, plus strand): 5'-GGGATGACCATGAAAGAATTTCGAGAGTTTGCGCGGAGGCTGGCCAGCGCCCGGGCCTGG[A>AG]GGTCCCCCAAGGGGATGGTCTCCATAACTGGCTTGGGGGCCGGCCGTATCTCGAAGGAGT-3'